The following is an entry in ClinVar:

ClinVar aggregate classification (germline): Uncertain significance (1 of 4 stars; one submission).

gnomAD v4.1: 10 of 1,466,040 alleles (0.00068%); highest among the groups gnomAD compares: Admixed American, 0.0018%; no homozygotes.

Submission:

Labcorp Genetics (formerly Invitae), Labcorp
Classification: Uncertain significance. Last evaluated: 2025-09-13. Review status: criteria provided, single submitter. Criteria: Invitae Variant Classification Sherloc (09022015). Collection method: clinical testing. Allele origin: germline.
Comment: This sequence change falls in intron 7 of the SPPL2A gene. It does not directly change the encoded amino acid sequence of the SPPL2A protein. It affects a nucleotide within the consensus splice site. The frequency data for this variant in the population databases is considered unreliable, as metrics indicate poor data quality at this position in the gnomAD database. This variant has not been reported in the literature in individuals affected with SPPL2A-related conditions. ClinVar contains an entry for this variant (Variation ID: 2891818). Variants that disrupt the consensus splice site are a relatively common cause of aberrant splicing (PMID: 17576681, 9536098). Algorithms developed to predict the effect of sequence changes on RNA splicing suggest that this variant may disrupt the consensus splice site. In summary, the available evidence is currently insufficient to determine the role of this variant in disease. Therefore, it has been classified as a Variant of Uncertain Significance.

Literature cited by the submitters: PubMed 17576681; PubMed 9536098.

NM_032802.4(SPPL2A):c.830+5G>A

Gene: SPPL2A (signal peptide peptidase like 2A; minus strand). Cytogenetic location: 15q21.2.
Variant type: single nucleotide variant.
Coding change: c.830+5G>A on transcript NM_032802.4 (MANE Select); 5 bases into the intron after coding-DNA position 830, G replaced by A.
Molecular consequence: intron variant.
Genome position (GRCh38, 1-based): chr15:50,736,639, C>T on the plus strand (G>A on the coding strand, the complement: SPPL2A is on the minus strand). VCF-style: chr15-50736639-C-T. GRCh37 (hg19) VCF-style: chr15-51028836-C-T.
Identifiers: ClinVar variation 2891818 (VCV002891818.3), dbSNP rs775021087, ClinGen allele CA7558405.